The following is an entry in ClinVar:

ClinVar aggregate classification (germline): Uncertain significance (1 of 4 stars; one submission).

Conditions:
POU3F3-related disorder. Also called: POU3F3-related condition.

Submission:

PreventionGenetics, part of Exact Sciences
Classification: Uncertain significance for POU3F3-related condition. Last evaluated: 2023-09-02. Review status: criteria provided, single submitter. Criteria: ACMG Guidelines, 2015. Collection method: clinical testing. Allele origin: germline.
Comment: The POU3F3 c.191G>T variant is predicted to result in the amino acid substitution p.Arg64Leu. To our knowledge, this variant has not been reported in the literature or in a large population database, indicating this variant is rare. At this time, the clinical significance of this variant is uncertain due to the absence of conclusive functional and genetic evidence.

NM_006236.3(POU3F3):c.191G>T (p.Arg64Leu)

Gene: POU3F3 (POU class 3 homeobox 3; plus strand). Cytogenetic location: 2q12.1.
Variant type: single nucleotide variant.
Coding change: c.191G>T on transcript NM_006236.3 (MANE Select); coding-DNA position 191, G replaced by T.
Protein change: p.Arg64Leu; replaces arginine 64 with leucine.
Molecular consequence: missense variant.
Genome position (GRCh38, 1-based): chr2:104,855,701, G>T. VCF-style: chr2-104855701-G-T. GRCh37 (hg19) VCF-style: chr2-105472159-G-T.
Other names: short protein forms R64L.
Identifiers: ClinVar variation 2634096 (VCV002634096.1), dbSNP rs2466874282, ClinGen allele CA348096210.